The following is an entry in ClinVar:

ClinVar aggregate classification (germline): Uncertain significance. Review status: criteria provided, multiple submitters, no conflicts (2 of 4 stars). 4 submissions from 4 submitters: Uncertain significance (4). Last evaluated 2023-04-21.

Conditions:
Inborn genetic diseases. Identifiers: MedGen C0950123, MeSH D030342.

Allele frequency attached by ClinVar (database versions not stated): gnomAD 0.00005 and 0.00006; gnomAD exomes 0.00006 and 0.00016; ExAC 0.00007; TOPMed 0.00007; ESP Exome Variant Server 0.00008.
gnomAD v4.1: 230 of 1,613,968 alleles (0.014%); highest among the groups gnomAD compares: Non-Finnish European, 0.019%; no homozygotes.

Submissions (4):

Mayo Clinic Laboratories, Mayo Clinic
Classification: Uncertain significance. Last evaluated: 2023-04-21. Review status: criteria provided, single submitter. Criteria: ACMG Guidelines, 2015. Collection method: clinical testing. Allele origin: germline. Observed: 1 variant allele.
Comment: BP4

Labcorp Genetics (formerly Invitae), Labcorp
Classification: Uncertain significance. Last evaluated: 2022-07-30. Review status: criteria provided, single submitter. Criteria: Invitae Variant Classification Sherloc (09022015). Collection method: clinical testing. Allele origin: germline.
Comment: This sequence change replaces alanine, which is neutral and non-polar, with threonine, which is neutral and polar, at codon 226 of the PUS1 protein (p.Ala226Thr). This variant is present in population databases (rs376680579, gnomAD 0.01%). This variant has not been reported in the literature in individuals affected with PUS1-related conditions. ClinVar contains an entry for this variant (Variation ID: 806966). Algorithms developed to predict the effect of missense changes on protein structure and function output the following: SIFT: "Tolerated"; PolyPhen-2: "Benign"; Align-GVGD: "Class C0". The threonine amino acid residue is found in multiple mammalian species, which suggests that this missense change does not adversely affect protein function. In summary, the available evidence is currently insufficient to determine the role of this variant in disease. Therefore, it has been classified as a Variant of Uncertain Significance.

Ambry Genetics
Classification: Uncertain significance for Inborn genetic diseases. Last evaluated: 2021-08-02. Review status: criteria provided, single submitter. Criteria: Ambry Variant Classification Scheme 2023. Collection method: clinical testing. Allele origin: germline.

CeGaT Center for Human Genetics Tuebingen
Classification: Uncertain significance. Last evaluated: 2016-05-01. Review status: criteria provided, single submitter. Criteria: CeGaT Center For Human Genetics Tuebingen Variant Classification Criteria Version 2. Collection method: clinical testing. Allele origin: germline. Affected: yes. Observed: 1 variant allele.

NM_025215.6(PUS1):c.676G>A (p.Ala226Thr)

Gene: PUS1 (pseudouridine synthase 1; plus strand). Cytogenetic location: 12q24.33.
Variant type: single nucleotide variant.
Coding change: c.676G>A on transcript NM_025215.6 (MANE Select); coding-DNA position 676, G replaced by A.
Protein change: p.Ala226Thr; replaces alanine 226 with threonine.
Molecular consequence: missense variant.
Genome position (GRCh38, 1-based): chr12:131,941,423, G>A. VCF-style: chr12-131941423-G-A. GRCh37 (hg19) VCF-style: chr12-132425968-G-A.
Other names: p.Ala226Thr; c.592G>A, p.Ala198Thr (NM_001002019.3, NM_001002020.3); c.676G>A (NM_025215.5); short protein forms A226T, A198T.
Identifiers: ClinVar variation 806966 (VCV000806966.45), dbSNP rs376680579, ClinGen allele CA6884219.